The following is an entry in ClinVar:

ClinVar aggregate classification (germline): Uncertain significance (1 of 4 stars; one submission).

Conditions:
Familial cancer of breast. Also called: Hereditary breast cancer; hereditary breast carcinoma; BREAST CANCER, FAMILIAL. Identifiers: Orphanet 227535, MedGen C0346153, MONDO:0016419, OMIM 114480. Disease mechanism: loss of function.

Submission:

Labcorp Genetics (formerly Invitae), Labcorp
Classification: Uncertain significance for Familial cancer of breast. Last evaluated: 2020-08-14. Review status: criteria provided, single submitter. Criteria: Invitae Variant Classification Sherloc (09022015). Collection method: clinical testing. Allele origin: germline.
Comment: This variant is not present in population databases (ExAC no frequency). In summary, the available evidence is currently insufficient to determine the role of this variant in disease. Therefore, it has been classified as a Variant of Uncertain Significance. Algorithms developed to predict the effect of sequence changes on RNA splicing suggest that this variant may disrupt the consensus splice site, but this prediction has not been confirmed by published transcriptional studies. This variant has not been reported in the literature in individuals with CHEK2-related conditions. This sequence change falls in intron 3 of the CHEK2 gene. It does not directly change the encoded amino acid sequence of the CHEK2 protein, but it affects a nucleotide within the consensus splice site of the intron.

NM_007194.4(CHEK2):c.444+5dup

Gene: CHEK2 (checkpoint kinase 2; minus strand). Cytogenetic location: 22q12.1.
Variant type: Duplication.
Coding change: c.444+5dup on transcript NM_007194.4 (MANE Select); 5 bases into the intron after coding-DNA position 444, one base duplicated (G; older notation c.444+5dupG).
Molecular consequence: intron variant.
Genome position (GRCh38, 1-based): chr22:28,725,238, C duplicated on the plus strand (G on the coding strand, the reverse complement: CHEK2 is on the minus strand); the first of 2 consecutive C bases (chr22:28,725,238-28,725,239); duplicating either gives the same sequence. VCF-style (leftmost placement, unchanged base first): chr22-28725237-A-AC. GRCh37 (hg19) VCF-style: chr22-29121225-A-AC.
Other names: c.-220+5dup (NM_001437942.1); c.444+5dup (NM_001349956.3, NM_145862.3); c.-334+5dup (NM_001257387.3); c.537+5dup (NM_001438295.1, NM_001438293.1); c.573+5dup (NM_001438294.1, NM_001005735.3).
Identifiers: ClinVar variation 1045975 (VCV001045975.9), dbSNP rs2053955000, ClinGen allele CA2400252365.
Genomic context (GRCh38, chr22:28,725,237, plus strand): 5'-GGAAAATATCTAAAAACAATGACCAAATTACCAGCTCTCCTAGATACATGGGTATTCATT[A>AC]CCTACCCTGAAAATCCGAAAGTGTTTCTTGCTGTATGTTCGGTATTTATCTGTTCTTTTC-3'